The following is an entry in ClinVar:

NM_001363711.2(DUOX2):c.2286G>A (p.Gln762=)

Gene: DUOX2 (dual oxidase 2; minus strand). Cytogenetic location: 15q21.1.
Variant type: single nucleotide variant.
Coding change: c.2286G>A on transcript NM_001363711.2 (MANE Select); coding-DNA position 2286, G replaced by A.
Protein change: p.Gln762=; no amino-acid change (glutamine 762 retained).
Molecular consequence: synonymous variant.
Genome position (GRCh38, 1-based): chr15:45,105,691, C>T on the plus strand (G>A on the coding strand, the complement: DUOX2 is on the minus strand). VCF-style: chr15-45105691-C-T. GRCh37 (hg19) VCF-style: chr15-45397889-C-T.
Other names: p.Gln762=; c.2286G>A, p.Gln762= (NM_014080.5).
Identifiers: ClinVar variation 260320 (VCV000260320.21), dbSNP rs73406334, ClinGen allele CA7538312.

ClinVar aggregate classification (germline): Benign/Likely benign. Review status: criteria provided, multiple submitters, no conflicts (2 of 4 stars). 8 submissions from 8 submitters: Benign (5); Likely benign (3). Last evaluated 2026-05-09.

Conditions:
Thyroid dyshormonogenesis 6 (TDH6). Also called: HYPOTHYROIDISM, CONGENITAL, DUE TO DYSHORMONOGENESIS, 6; Genetic transient congenital hypothyroidism; THYROID HORMONOGENESIS, GENETIC DEFECT IN, 6. Identifiers: Orphanet 226316, Orphanet 95716, MedGen C1846632, MONDO:0011792, OMIM 607200.

Allele frequency attached by ClinVar (database versions not stated): 1000 Genomes Project 0.06290; 1000 Genomes Project 30x 0.06433; ExAC 0.06730; gnomAD exomes 0.06748 and 0.07129; gnomAD 0.07466 and 0.07585; TOPMed 0.07497; ESP Exome Variant Server 0.07843.
gnomAD v4.1: 115,500 of 1,614,176 alleles (7.2%); highest among the groups gnomAD compares: African/African-American, 9%; 4,412 homozygotes.

Submissions (8):

Women's Health and Genetics/Laboratory Corporation of America, LabCorp
Classification: Benign. Last evaluated: 2026-05-09. Review status: criteria provided, single submitter. Criteria: LabCorp Variant Classification Summary - May 2015. Collection method: clinical testing. Allele origin: germline.

Labcorp Genetics (formerly Invitae), Labcorp
Classification: Benign. Last evaluated: 2026-02-03. Review status: criteria provided, single submitter. Criteria: Invitae Variant Classification Sherloc (09022015). Collection method: clinical testing. Allele origin: germline.

Blueprint Genetics
Classification: Likely benign. Last evaluated: 2024-11-27. Review status: criteria provided, single submitter. Criteria: ACMG Guidelines, 2015. Collection method: clinical testing. Allele origin: germline.

Mayo Clinic Laboratories, Mayo Clinic
Classification: Benign. Last evaluated: 2022-09-06. Review status: criteria provided, single submitter. Criteria: ACMG Guidelines, 2015. Collection method: clinical testing. Allele origin: germline. Observed: 9 variant alleles.

GeneDx
Classification: Benign. Last evaluated: 2018-07-09. Review status: criteria provided, single submitter. Criteria: GeneDx Variant Classification Process June 2021. Collection method: clinical testing. Allele origin: germline. Affected: yes.

Illumina Laboratory Services, Illumina
Classification: Likely benign for Thyroid dyshormonogenesis 6. Last evaluated: 2018-01-12. Review status: criteria provided, single submitter. Criteria: ICSL Variant Classification Criteria 13 December 2019. Collection method: clinical testing. Allele origin: germline.
Comment: This variant was observed in the ICSL laboratory as part of a predisposition screen in an ostensibly healthy population. It had not been previously curated by ICSL or reported in the Human Gene Mutation Database (HGMD: prior to June 1st, 2018), and was therefore a candidate for classification through an automated scoring system. Utilizing variant allele frequency, disease prevalence and penetrance estimates, and inheritance mode, an automated score was calculated to assess if this variant is too frequent to cause the disease. Based on the score and internal cut-off values, a variant classified as likely benign is not then subjected to further curation. The score for this variant resulted in a classification of likely benign for this disease.

Breakthrough Genomics
Classification: Likely benign. Review status: criteria provided, single submitter. Criteria: ACMG Guidelines, 2015. Collection method: not provided. Allele origin: germline. Inheritance: Autosomal recessive inheritance. Affected: yes.

PreventionGenetics, part of Exact Sciences
Classification: Benign. Review status: criteria provided, single submitter. Criteria: ACMG Guidelines, 2015. Collection method: clinical testing. Allele origin: germline.